The following is an entry in ClinVar:

NM_001163809.2(WDR81):c.792C>A (p.Leu264=)

Gene: WDR81 (WD repeat domain 81; plus strand). Cytogenetic location: 17p13.3.
Variant type: single nucleotide variant.
Coding change: c.792C>A on transcript NM_001163809.2 (MANE Select); coding-DNA position 792, C replaced by A.
Protein change: p.Leu264=; no amino-acid change (leucine 264 retained).
Molecular consequence: synonymous variant. On other transcripts: intron variant (3).
Genome position (GRCh38, 1-based): chr17:1,725,751, C>A. VCF-style: chr17-1725751-C-A. GRCh37 (hg19) VCF-style: chr17-1629045-C-A.
Other names: c.-123-2239C>A (NM_152348.4); c.59-4629C>A (NM_001163673.2); c.-15+965C>A (NM_001163811.2).
Identifiers: ClinVar variation 2647192 (VCV002647192.25), dbSNP rs369912090, ClinGen allele CA8272998.
Genomic context (GRCh38, chr17:1,725,751, plus strand): 5'-CGTGGTCACCTTCAGCCCTGCCAAGCTGACCAACAGCCAGGCCAAGGTGCTGTTCATTCT[C>A]TTCCGCGTGCTGAGGGCTATGGACGCCTGTCACCGCCAGGGGCTGGCGTGTGGGGCCCTG-3'
Protein context (NP_001157281.1, residues 254-274): TNSQAKVLFI[Leu264=]FRVLRAMDAC

ClinVar aggregate classification (germline): Likely benign. Review status: criteria provided, multiple submitters, no conflicts (2 of 4 stars). 2 submissions from 2 submitters: Likely benign (2). Last evaluated 2024-08-05.

Allele frequency attached by ClinVar (database versions not stated): TOPMed 0.00001; gnomAD 0.00002; ExAC 0.00005; ESP Exome Variant Server 0.00022.
gnomAD v4.1: 13 of 1,550,528 alleles (0.00084%); highest among the groups gnomAD compares: South Asian, 0.0024%; no homozygotes.

Submissions (2):

Blueprint Genetics
Classification: Likely benign. Last evaluated: 2024-08-05. Review status: criteria provided, single submitter. Criteria: ACMG Guidelines, 2015. Collection method: clinical testing. Allele origin: germline.

CeGaT Center for Human Genetics Tuebingen
Classification: Likely benign. Last evaluated: 2022-11-01. Review status: criteria provided, single submitter. Criteria: CeGaT Center For Human Genetics Tuebingen Variant Classification Criteria Version 2. Collection method: clinical testing. Allele origin: germline. Affected: yes. Observed: 1 variant allele.
Comment: WDR81: BP4, BP7